The following is an entry in ClinVar:

ClinVar aggregate classification (germline): Uncertain significance (1 of 4 stars; one submission).

Submission:

Labcorp Genetics (formerly Invitae), Labcorp
Classification: Uncertain significance. Last evaluated: 2023-07-17. Review status: criteria provided, single submitter. Criteria: Invitae Variant Classification Sherloc (09022015). Collection method: clinical testing. Allele origin: germline.
Comment: This sequence change replaces serine, which is neutral and polar, with arginine, which is basic and polar, at codon 699 of the AP3B2 protein (p.Ser699Arg). In summary, the available evidence is currently insufficient to determine the role of this variant in disease. Therefore, it has been classified as a Variant of Uncertain Significance. An algorithm developed to predict the effect of missense changes on protein structure and function (PolyPhen-2) suggests that this variant is likely to be tolerated. ClinVar contains an entry for this variant (Variation ID: 2093878). This variant has not been reported in the literature in individuals affected with AP3B2-related conditions. This variant is not present in population databases (gnomAD no frequency).

NM_001278512.2(AP3B2):c.2154T>A (p.Ser718Arg)

Genes: AP3B2 (adaptor related protein complex 3 subunit beta 2; minus strand), CPEB1-AS1 (CPEB1 antisense RNA 1; plus strand). Cytogenetic location: 15q25.2.
Variant type: single nucleotide variant.
Coding change: c.2154T>A on transcript NM_001278512.2 (MANE Select); coding-DNA position 2154, T replaced by A.
Protein change: p.Ser718Arg; replaces serine 718 with arginine.
Molecular consequence: missense variant.
Genome position (GRCh38, 1-based): chr15:82,664,474, A>T on the plus strand (T>A on the coding strand, the complement: AP3B2 is on the minus strand). VCF-style: chr15-82664474-A-T. GRCh37 (hg19) VCF-style: chr15-83333226-A-T.
Other names: c.2001T>A, p.Ser667Arg (NM_001278511.2); c.2097T>A, p.Ser699Arg (NM_004644.5); short protein forms S718R, S667R, S699R.
Identifiers: ClinVar variation 2093878 (VCV002093878.4), dbSNP rs183833442, ClinGen allele CA393312040.